The following is an entry in ClinVar:

ClinVar aggregate classification (germline): Uncertain significance (1 of 4 stars; one submission).

Submission:

Labcorp Genetics (formerly Invitae), Labcorp
Classification: Uncertain significance. Last evaluated: 2021-02-26. Review status: criteria provided, single submitter. Criteria: Invitae Variant Classification Sherloc (09022015). Collection method: clinical testing. Allele origin: germline.
Comment: This sequence change replaces leucine with valine at codon 104 of the RIPK1 protein (p.Leu104Val). The leucine residue is highly conserved and there is a small physicochemical difference between leucine and valine. This variant is not present in population databases (ExAC no frequency). This variant has not been reported in the literature in individuals with RIPK1-related conditions. Algorithms developed to predict the effect of missense changes on protein structure and function are either unavailable or do not agree on the potential impact of this missense change (SIFT: "Not Available"; PolyPhen-2: "Probably Damaging"; Align-GVGD: "Not Available"). In summary, the available evidence is currently insufficient to determine the role of this variant in disease. Therefore, it has been classified as a Variant of Uncertain Significance.

NM_001354930.2(RIPK1):c.310C>G (p.Leu104Val)

Gene: RIPK1 (receptor interacting serine/threonine kinase 1; plus strand). Cytogenetic location: 6p25.2.
Variant type: single nucleotide variant.
Coding change: c.310C>G on transcript NM_001354930.2 (MANE Select); coding-DNA position 310, C replaced by G.
Protein change: p.Leu104Val; replaces leucine 104 with valine.
Molecular consequence: missense variant. On other transcripts: 5 prime UTR variant (4).
Genome position (GRCh38, 1-based): chr6:3,077,924, C>G. VCF-style: chr6-3077924-C-G. GRCh37 (hg19) VCF-style: chr6-3078158-C-G.
Other names: c.-294C>G (NM_001317061.3, NM_001354932.2, NM_001354933.2 and 1 more transcripts); c.310C>G, p.Leu104Val (NM_001354931.2, NM_003804.6); short protein forms L104V.
Identifiers: ClinVar variation 1513599 (VCV001513599.6), dbSNP rs2113581204, ClinGen allele CA362575203.